The following is an entry in ClinVar:

NM_000702.4(ATP1A2):c.1156G>A (p.Val386Ile)

Gene: ATP1A2 (ATPase Na+/K+ transporting subunit alpha 2; plus strand). Cytogenetic location: 1q23.2.
Variant type: single nucleotide variant.
Coding change: c.1156G>A on transcript NM_000702.4 (MANE Select); coding-DNA position 1156, G replaced by A.
Protein change: p.Val386Ile; replaces valine 386 with isoleucine.
Molecular consequence: missense variant.
Genome position (GRCh38, 1-based): chr1:160,128,790, G>A. VCF-style: chr1-160128790-G-A. GRCh37 (hg19) VCF-style: chr1-160098580-G-A.
Other names: c.1156G>A (NM_000702.3); short protein forms V386I.
Identifiers: ClinVar variation 1401612 (VCV001401612.11), dbSNP rs137878081, ClinGen allele CA1194379.
Genomic context (GRCh38, chr1:160,128,790, plus strand): 5'-GGCTCCACGTCCACCATCTGCTCGGACAAGACGGGCACCCTCACCCAGAACCGCATGACC[G>A]TCGCCCACATGTGGTTCGACAACCAAATCCATGAGGCTGACACCACCGAAGATCAGTCTG-3'
Protein context (NP_000693.1, residues 376-396): TGTLTQNRMT[Val386Ile]AHMWFDNQIH

ClinVar aggregate classification (germline): Uncertain significance. Review status: criteria provided, multiple submitters, no conflicts (2 of 4 stars). 3 submissions from 3 submitters: Uncertain significance (3). Last evaluated 2026-06-29.

Conditions:
Inborn genetic diseases. Identifiers: MedGen C0950123, MeSH D030342.
Familial hemiplegic migraine. Identifiers: MedGen C0338484, MONDO:0000700.

Allele frequency attached by ClinVar (database versions not stated): gnomAD 0.00003 and 0.00002; ESP Exome Variant Server 0.00008; ExAC 0.00005; gnomAD exomes 0.00003; TOPMed 0.00003.
gnomAD v4.1: 53 of 1,614,036 alleles (0.0033%); highest among the groups gnomAD compares: East Asian, 0.025%; no homozygotes.

Submissions (3):

Ambry Genetics
Classification: Uncertain significance for Inborn genetic diseases. Last evaluated: 2026-06-29. Review status: criteria provided, single submitter. Criteria: Ambry Variant Classification Scheme 2023. Collection method: clinical testing. Allele origin: germline.
Comment: The c.1156G>A (p.V386I) alteration is located in exon 9 (coding exon 9) of the ATP1A2 gene. This alteration results from a G to A substitution at nucleotide position 1156, causing the valine (V) at amino acid position 386 to be replaced by an isoleucine (I). Based on data from gnomAD, the A allele has an overall frequency of 0.003% (8/251478) total alleles studied. The highest observed frequency was 0.016% (3/18394) of East Asian alleles. Based on insufficient or conflicting evidence, the clinical significance of this alteration remains unclear.

GeneDx
Classification: Uncertain significance. Last evaluated: 2024-07-03. Review status: criteria provided, single submitter. Criteria: GeneDx Variant Classification Process June 2021. Collection method: clinical testing. Allele origin: germline. Affected: yes.
Comment: In silico analysis indicates that this missense variant does not alter protein structure/function; Has not been previously published as pathogenic or benign to our knowledge; This variant is associated with the following publications: (PMID: 18184292)

Labcorp Genetics (formerly Invitae), Labcorp
Classification: Uncertain significance for Familial hemiplegic migraine. Last evaluated: 2023-09-11. Review status: criteria provided, single submitter. Criteria: Invitae Variant Classification Sherloc (09022015). Collection method: clinical testing. Allele origin: germline.
Comment: In summary, the available evidence is currently insufficient to determine the role of this variant in disease. Therefore, it has been classified as a Variant of Uncertain Significance. Advanced modeling of protein sequence and biophysical properties (such as structural, functional, and spatial information, amino acid conservation, physicochemical variation, residue mobility, and thermodynamic stability) performed at Invitae indicates that this missense variant is not expected to disrupt ATP1A2 protein function. ClinVar contains an entry for this variant (Variation ID: 1401612). This missense change has been observed in individual(s) with clinical features of autosomal dominant ATP1A2-related conditions (Invitae). This variant is present in population databases (rs137878081, gnomAD 0.02%). This sequence change replaces valine, which is neutral and non-polar, with isoleucine, which is neutral and non-polar, at codon 386 of the ATP1A2 protein (p.Val386Ile).